The following is an entry in ClinVar:

ClinVar aggregate classification (germline): Uncertain significance. Review status: criteria provided, multiple submitters, no conflicts (2 of 4 stars). 3 submissions from 3 submitters: Uncertain significance (2). 1 of the submissions does not count toward it. Last evaluated 2026-07-13.

Conditions:
SLC52A3-related disorder. Also called: SLC52A3-related condition.
Brown-Vialetto-van Laere syndrome 1. Also called: BROWN-VIALETTO-VAN LAERE SYNDROME 1, MILD; BULBAR PALSY, PROGRESSIVE, WITH SENSORINEURAL DEAFNESS; PONTOBULBAR PALSY WITH DEAFNESS. Identifiers: Orphanet 572550, Orphanet 97229, MedGen C0796274, MONDO:0024537, OMIM 211530.

Allele frequency attached by ClinVar (database versions not stated): gnomAD exomes below 0.00001; TOPMed below 0.00001; gnomAD 0.00001.
gnomAD v4.1: 7 of 1,601,000 alleles (0.00044%); highest among the groups gnomAD compares: African/African-American, 0.0013%; no homozygotes.

Submissions (3):

PreventionGenetics, part of Exact Sciences
Classification: Uncertain significance for SLC52A3-related condition. Last evaluated: 2026-07-13. Review status: criteria provided, single submitter. Criteria: ACMG Guidelines, 2015. Collection method: clinical testing. Allele origin: germline.
Comment: The SLC52A3 c.160G>A variant is predicted to result in the amino acid substitution p.Gly54Arg. This variant has been reported in the compound heterozygous state in an individual with Brown-Vialetto-Van Laere syndrome (Johnson et al. 2012. PubMed ID: 22740598). This variant is reported in 0.00098% of alleles in individuals of European (Non-Finnish) descent in gnomAD. At this time, the clinical significance of this variant is uncertain due to the absence of conclusive functional and genetic evidence.

Labcorp Genetics (formerly Invitae), Labcorp
Classification: Uncertain significance for Brown-Vialetto-van Laere syndrome 1. Last evaluated: 2021-08-19. Review status: criteria provided, single submitter. Criteria: Invitae Variant Classification Sherloc (09022015). Collection method: clinical testing. Allele origin: germline.
Comment: This sequence change replaces glycine with arginine at codon 54 of the SLC52A3 protein (p.Gly54Arg). The glycine residue is highly conserved and there is a moderate physicochemical difference between glycine and arginine. In summary, the available evidence is currently insufficient to determine the role of this variant in disease. Therefore, it has been classified as a Variant of Uncertain Significance. Algorithms developed to predict the effect of missense changes on protein structure and function are either unavailable or do not agree on the potential impact of this missense change (SIFT: "Tolerated"; PolyPhen-2: "Probably Damaging"; Align-GVGD: "Class C0"). This variant has been observed in individual(s) with clinical features of Brown-Vialetto-Van Laere syndrome (PMID: 22740598). ClinVar contains an entry for this variant (Variation ID: 210013). This variant is not present in population databases (ExAC no frequency).

GeneReviews
No classification provided. Condition: Brown-Vialetto-van Laere syndrome 1. Review status: no classification provided. Collection method: literature only. Allele origin: germline. Affected: yes. Not counted in ClinVar's aggregate classification.

Literature cited by the submitters: PubMed 22740598 (cited by Labcorp Genetics (formerly Invitae), Labcorp); PubMed 20920669 (cited by GeneReviews); NCBI Bookshelf NBK299312 (cited by GeneReviews).

NM_033409.4(SLC52A3):c.160G>A (p.Gly54Arg)

Gene: SLC52A3 (solute carrier family 52 member 3; minus strand). Cytogenetic location: 20p13.
Variant type: single nucleotide variant.
Coding change: c.160G>A on transcript NM_033409.4 (MANE Select); coding-DNA position 160, G replaced by A.
Protein change: p.Gly54Arg; replaces glycine 54 with arginine.
Molecular consequence: missense variant.
Genome position (GRCh38, 1-based): chr20:765,615, C>T on the plus strand (G>A on the coding strand, the complement: SLC52A3 is on the minus strand). VCF-style: chr20-765615-C-T. GRCh37 (hg19) VCF-style: chr20-746259-C-T.
Other names: c.160G>A, p.Gly54Arg (NM_001370085.1, NM_001370086.1); short protein forms G54R.
Identifiers: ClinVar variation 210013 (VCV000210013.9), dbSNP rs797045191, ClinGen allele CA346971.